The following is an entry in ClinVar:

Conditions:
Breast-ovarian cancer, familial, susceptibility to, 1 (BROVCA1). Also called: BRCA1 Hereditary Breast and Ovarian Cancer; OVARIAN CANCER, SUSCEPTIBILITY TO. Identifiers: Orphanet 145, MedGen C2676676, MONDO:0011450, OMIM 604370. Disease mechanism: loss of function.

Submission:

Brotman Baty Institute, University of Washington
No classification provided (evidence only). Condition: Breast-ovarian cancer, familial 1. Review status: no classification provided. Collection method: in vitro. Allele origin: not applicable. Functional consequence: functionally_normal.
ClinVar note: "not provided" was previously submitted as the classification for the variant. However, the classification appeared to be based only on an observation of functional data so it was converted to no classification on 2025-07-30.

NM_007294.4(BRCA1):c.5037A>T (p.Leu1679=)

Gene: BRCA1 (BRCA1 DNA repair associated; minus strand). Cytogenetic location: 17q21.31.
Variant type: single nucleotide variant.
Coding change: c.5037A>T on transcript NM_007294.4 (MANE Select); coding-DNA position 5037, A replaced by T.
Protein change: p.Leu1679=; no amino-acid change (leucine 1679 retained).
Molecular consequence: synonymous variant. On other transcripts: intron variant (1).
Genome position (GRCh38, 1-based): chr17:43,067,645, T>A on the plus strand (A>T on the coding strand, the complement: BRCA1 is on the minus strand). VCF-style: chr17-43067645-T-A. GRCh37 (hg19) VCF-style: chr17-41219662-T-A.
Other names: c.4824A>T, p.Leu1608= (NM_001407571.1, NM_001407894.1, NM_001407895.1 and 12 more transcripts); c.5103A>T, p.Leu1701= (NM_001407581.1, NM_001407582.1); c.5100A>T, p.Leu1700= (NM_001407583.1, NM_001407585.1, NM_001407587.1 and 1 more transcripts); c.5097A>T, p.Leu1699= (NM_001407590.1, NM_001407591.1); c.5037A>T, p.Leu1679= (NM_001407593.1, NM_001407594.1, NM_001407596.1 and 8 more transcripts); c.5034A>T, p.Leu1678= (NM_001407610.1, NM_001407611.1, NM_001407612.1 and 17 more transcripts); c.5031A>T, p.Leu1677= (NM_001407627.1, NM_001407628.1, NM_001407629.1 and 14 more transcripts); c.5028A>T, p.Leu1676= (NM_001407644.1, NM_001407645.1); and 71 more.
Identifiers: ClinVar variation 868549 (VCV000868549.3), dbSNP rs754256578, ClinGen allele CA500146346.
Genomic context (GRCh38, chr17:43,067,645, plus strand): 5'-TTCTGTAAAGGTTCTTGGTATACCTGTTTTCATAACAACATGAGTAGTCTCTTCAGTAAT[T>A]AGATTAGTTAAAGTGATGTGGTGTTTTCTGGCAAACTTGTACACGAGCATCTGAAATTAA-3'
Protein context (NP_009225.1, residues 1669-1689): ARKHHITLTN[Leu1679=]ITEETTHVVM